The following is an entry in ClinVar:

NM_000368.5(TSC1):c.772G>T (p.Glu258Ter)

Gene: TSC1 (TSC complex subunit 1; minus strand). Cytogenetic location: 9q34.13.
Variant type: single nucleotide variant.
Coding change: c.772G>T on transcript NM_000368.5 (MANE Select); coding-DNA position 772, G replaced by T.
Protein change: p.Glu258Ter; replaces glutamic acid 258 with a stop codon.
Molecular consequence: nonsense.
Genome position (GRCh38, 1-based): chr9:132,912,423, C>A on the plus strand (G>T on the coding strand, the complement: TSC1 is on the minus strand). VCF-style: chr9-132912423-C-A. GRCh37 (hg19) VCF-style: chr9-135787810-C-A.
Other names: c.772G>T, p.Glu258Ter (NM_001162426.2); c.619G>T, p.Glu207Ter (NM_001162427.2); c.409G>T, p.Glu137Ter (NM_001362177.2); short protein forms E258*, E137*, E207*.
Identifiers: ClinVar variation 49106 (VCV000049106.47), dbSNP rs118203450, ClinGen allele CA008208.
Genomic context (GRCh38, chr9:132,912,423, plus strand): 5'-ACACAGAATAGCCATCTTCATATGAGGCTTCTGTGGGATCCAGAGAGATTTTGGCACACT[C>A]GATCACAACATCATGAGTTTCTAATCTCTTCCACCTGTAAAATGCAATGAAAGTCAAGAA-3'

ClinVar aggregate classification (germline): Pathogenic/Likely pathogenic. Review status: criteria provided, multiple submitters, no conflicts (2 of 4 stars). 5 submissions from 5 submitters: Pathogenic (3); Likely pathogenic (1). 1 of the submissions does not count toward it. Last evaluated 2021-11-07.

Conditions:
TSC1-related disorder. Also called: TSC1-related condition.
Tuberous sclerosis syndrome (TSC). Also called: Tuberous Sclerosis Complex; Tuberous sclerosis. Identifiers: Orphanet 805, MedGen C0041341, MONDO:0001734.
Tuberous sclerosis 1 (TSC1). Identifiers: Orphanet 805, MedGen C1854465, MONDO:0008612, OMIM 191100.

Submissions (5):

Genome-Nilou Lab
Classification: Pathogenic for Tuberous sclerosis 1. Last evaluated: 2021-11-07. Review status: criteria provided, single submitter. Criteria: ACMG Guidelines, 2015. Collection method: clinical testing. Allele origin: germline. Affected: no.

GeneDx
Classification: Pathogenic. Last evaluated: 2019-03-06. Review status: criteria provided, single submitter. Criteria: GeneDx Variant Classification (06012015). Collection method: clinical testing. Allele origin: germline. Affected: yes.
Comment: The E258X nonsense variant in the TSC1 gene has been reported multiple times previously in association with TSC (van Slegtenhorst et al., 1997; Young et al., 1998, TSC1 LOVD). This pathogenic variant is predicted to cause loss of normal protein function either through protein truncation or nonsense-mediated mRNA decay. The E258X variant is not observed in large population cohorts (Lek et al., 2016).

CeGaT Center for Human Genetics Tuebingen
Classification: Pathogenic. Last evaluated: 2018-12-01. Review status: criteria provided, single submitter. Criteria: CeGaT Center For Human Genetics Tuebingen Variant Classification Criteria Version 2. Collection method: clinical testing. Allele origin: germline. Affected: yes. Observed: 1 variant allele.

Blueprint Genetics
Classification: Likely pathogenic for TSC1-related disorders. Last evaluated: 2018-03-14. Review status: criteria provided, single submitter. Criteria: ACMG Guidelines, 2015. Collection method: clinical testing. Allele origin: germline. Affected: yes. Observed: 1 variant allele.

Tuberous sclerosis database (TSC1)
No classification provided. Condition: TSC. Review status: no classification provided. Criteria: Tuberous Sclerosis Database Assertion Criteria 2015. Collection method: curation. Allele origin: germline. Affected: yes. Not counted in ClinVar's aggregate classification.